The following is an entry in ClinVar:

ClinVar aggregate classification (germline): Likely benign (1 of 4 stars; one submission).

gnomAD v4.1: 9 of 1,613,944 alleles (0.00056%); highest among the groups gnomAD compares: African/African-American, 0.0067%; no homozygotes.

Submission:

CeGaT Center for Human Genetics Tuebingen
Classification: Likely benign. Last evaluated: 2026-05-01. Review status: criteria provided, single submitter. Criteria: CeGaT Center For Human Genetics Tuebingen Variant Classification Criteria Version 2. Collection method: clinical testing. Allele origin: germline. Affected: yes. Observed: 2 variant alleles.
Comment: TLK2: BP4, BP7

NM_006852.6(TLK2):c.2019G>A (p.Thr673=)

Gene: TLK2 (tousled like kinase 2; plus strand). Cytogenetic location: 17q23.2.
Variant type: single nucleotide variant.
Coding change: c.2019G>A on transcript NM_006852.6 (MANE Select); coding-DNA position 2019, G replaced by A.
Protein change: p.Thr673=; no amino-acid change (threonine 673 retained).
Molecular consequence: synonymous variant.
Genome position (GRCh38, 1-based): chr17:62,608,088, G>A. VCF-style: chr17-62608088-G-A. GRCh37 (hg19) VCF-style: chr17-60685449-G-A.
Other names: c.2085G>A, p.Thr695= (NM_001284333.3); c.1923G>A, p.Thr641= (NM_001284363.1, NM_001375272.1, NM_001438203.1 and 1 more transcripts); c.1572G>A, p.Thr524= (NM_001330418.3, NM_001375273.1); c.2061G>A, p.Thr687= (NM_001375269.1); c.2019G>A, p.Thr673= (NM_001375270.1, NM_001375271.1); c.1734G>A, p.Thr578= (NM_001411074.1); c.1830G>A, p.Thr610= (NM_001438205.1).
Identifiers: ClinVar variation 4873211 (VCV004873211.2).